The following is an entry in ClinVar:

ClinVar aggregate classification (germline): Pathogenic. Review status: criteria provided, multiple submitters, no conflicts (2 of 4 stars). 2 submissions from 2 submitters: Pathogenic (2). Last evaluated 2024-12-20.

Conditions:
Hereditary cancer-predisposing syndrome. Also called: Hereditary neoplastic syndrome; Tumor predisposition; Neoplastic Syndromes, Hereditary; Hereditary Cancer Syndrome. Identifiers: Orphanet 140162, MedGen C0027672, MeSH D009386, MONDO:0015356.

Submissions (2):

Ambry Genetics
Classification: Pathogenic for Hereditary cancer-predisposing syndrome. Last evaluated: 2024-12-20. Review status: criteria provided, single submitter. Criteria: Ambry Variant Classification Scheme 2023. Collection method: clinical testing. Allele origin: germline.
Comment: The c.921-1G>T intronic pathogenic mutation results from a G to T substitution one nucleotide upstream from coding exon 8 of the STK11 gene. This variant was reported in individual(s) with features consistent with Peutz-Jeghers syndrome (Wangler MF et al. J Pediatr Hematol Oncol, 2013 May;35:323-8). In addition to the clinical data presented in the literature, alterations that disrupt the canonical splice site are expected to cause aberrant splicing, resulting in an abnormal protein or a transcript that is subject to nonsense-mediated mRNA decay. Based on the supporting evidence, this variant is interpreted as a disease-causing mutation.

Eurofins Ntd Llc (ga)
Classification: Pathogenic. Last evaluated: 2012-11-01. Review status: criteria provided, single submitter. Criteria: EGL Classification Definitions 2015. Collection method: clinical testing. Allele origin: germline. Observed: 1 variant allele, 1 heterozygote.

Literature cited by the submitters: PubMed 23426006 (cited by Ambry Genetics).

NM_000455.5(STK11):c.921-1G>T

Gene: STK11 (serine/threonine kinase 11; plus strand). Cytogenetic location: 19p13.3.
Variant type: single nucleotide variant.
Coding change: c.921-1G>T on transcript NM_000455.5 (MANE Select); the canonical splice acceptor site of the intron before coding-DNA position 921, G replaced by T.
Molecular consequence: splice acceptor variant.
Genome position (GRCh38, 1-based): chr19:1,222,984, G>T. VCF-style: chr19-1222984-G-T. GRCh37 (hg19) VCF-style: chr19-1222983-G-T.
Other names: c.921-1G>T (NM_001407255.1).
Identifiers: ClinVar variation 93100 (VCV000093100.6), dbSNP rs398123406, ClinGen allele CA023359.